The following is an entry in ClinVar:

NM_000038.6(APC):c.3088A>T (p.Lys1030Ter)

Gene: APC (APC regulator of Wnt signaling pathway; plus strand). Cytogenetic location: 5q22.2.
Variant type: single nucleotide variant.
Coding change: c.3088A>T on transcript NM_000038.6 (MANE Select); coding-DNA position 3088, A replaced by T.
Protein change: p.Lys1030Ter; replaces lysine 1030 with a stop codon.
Molecular consequence: nonsense.
Genome position (GRCh38, 1-based): chr5:112,838,682, A>T. VCF-style: chr5-112838682-A-T. GRCh37 (hg19) VCF-style: chr5-112174379-A-T.
Other names: p.K1030*:AAA>TAA; c.3088A>T, p.Lys1030Ter (NM_001127510.3, NM_001354895.2); c.3034A>T, p.Lys1012Ter (NM_001127511.3); c.3142A>T, p.Lys1048Ter (NM_001354896.2); c.3118A>T, p.Lys1040Ter (NM_001354897.2); c.3013A>T, p.Lys1005Ter (NM_001354898.2); c.3004A>T, p.Lys1002Ter (NM_001354899.2); c.2965A>T, p.Lys989Ter (NM_001354900.2); and 6 more; short protein forms K1030*, K1012*, K929*, K1005*, K1048*, K870*, K989*, K747*.
Identifiers: ClinVar variation 127284 (VCV000127284.17), dbSNP rs587779786, ClinGen allele CA008039.

ClinVar aggregate classification (germline): Pathogenic. Review status: criteria provided, multiple submitters, no conflicts (2 of 4 stars). 3 submissions from 3 submitters: Pathogenic (3). Last evaluated 2019-11-08.

Conditions:
Familial adenomatous polyposis 1 (FAP1). Also called: FAMILIAL ADENOMATOUS POLYPOSIS 1, ATTENUATED; POLYPOSIS, ADENOMATOUS INTESTINAL. Identifiers: MedGen C2713442, MONDO:0021056, OMIM 175100. Disease mechanism: loss of function.

Allele frequency attached by ClinVar (database versions not stated): gnomAD exomes below 0.00001.
gnomAD v4.1: 1 of 1,614,212 alleles (0.000062%); highest among the groups gnomAD compares: Non-Finnish European, 0.000085%; no homozygotes.

Submissions (3):

Labcorp Genetics (formerly Invitae), Labcorp
Classification: Pathogenic for Familial adenomatous polyposis 1. Last evaluated: 2019-11-08. Review status: criteria provided, single submitter. Criteria: Invitae Variant Classification Sherloc (09022015). Collection method: clinical testing. Allele origin: germline.
Comment: This sequence change results in a premature translational stop signal in the APC gene (p.Lys1030*). While this is not anticipated to result in nonsense mediated decay, it is expected to disrupt the last 1814 amino acids of the APC protein. This variant is not present in population databases (ExAC no frequency). This variant has been observed in individual(s) with polyposis (PMID: 26681312). ClinVar contains an entry for this variant (Variation ID: 127284). This variant is expected to disrupt the EB1 and HDLG binding sites, which mediate interactions with the cytoskeleton (PMID: 15311282, 17293347). While functional studies have not been performed to directly test the effect on APC protein function, this suggests that disruption of the C-terminal portion of the protein is functionally important. For these reasons, this variant has been classified as Pathogenic. A different truncation (p.Tyr2645Lysfs*14) that lies downstream of this variant has been determined to be pathogenic (PMID: 9824584, 1316610, 27081525, 8381579, 22135120, Invitae). This suggests that deletion of this region of the APC protein is causative of disease.

Eurofins Ntd Llc (ga)
Classification: Pathogenic. Last evaluated: 2014-07-17. Review status: criteria provided, single submitter. Criteria: EGL Classification Definitions 2015. Collection method: clinical testing. Allele origin: germline. Observed: 2 variant alleles, 2 heterozygotes.

GeneDx
Classification: Pathogenic. Last evaluated: 2013-12-30. Review status: criteria provided, single submitter. Criteria: GeneDx Variant Classification (06012015). Collection method: clinical testing. Allele origin: germline. Affected: yes.
Comment: This is a nonsense variant, denoted APC c.3088A>T at the cDNA level and p.Lys1030Ter (K1030X) at the protein level. The substitution creates a nonsense variant, changing a Lysine to a premature stop codon (AAA>TAA). This variant is predicted to cause loss of normal protein function through protein truncation. Although, this variant has not, to our knowledge, been published in the literature, there are multiple other reports of pathogenic nonsense variants upstream and downstream of this mutation per HGMD.

Literature cited by the submitters: PubMed 26681312 (cited by Labcorp Genetics (formerly Invitae), Labcorp); PubMed 15311282 (cited by Labcorp Genetics (formerly Invitae), Labcorp); PubMed 17293347 (cited by Labcorp Genetics (formerly Invitae), Labcorp); PubMed 9824584 (cited by Labcorp Genetics (formerly Invitae), Labcorp); PubMed 1316610 (cited by Labcorp Genetics (formerly Invitae), Labcorp); PubMed 27081525 (cited by Labcorp Genetics (formerly Invitae), Labcorp); PubMed 8381579 (cited by Labcorp Genetics (formerly Invitae), Labcorp); PubMed 22135120 (cited by Labcorp Genetics (formerly Invitae), Labcorp).